The following is an entry in ClinVar:

NM_006019.4(TCIRG1):c.611C>T (p.Pro204Leu)

Gene: TCIRG1 (T cell immune regulator 1, ATPase H+ transporting V0 subunit a3; plus strand). Cytogenetic location: 11q13.2.
Variant type: single nucleotide variant.
Coding change: c.611C>T on transcript NM_006019.4 (MANE Select); coding-DNA position 611, C replaced by T.
Protein change: p.Pro204Leu; replaces proline 204 with leucine.
Molecular consequence: missense variant. On other transcripts: 5 prime UTR variant (2).
Genome position (GRCh38, 1-based): chr11:68,043,478, C>T. VCF-style: chr11-68043478-C-T. GRCh37 (hg19) VCF-style: chr11-67810945-C-T.
Other names: c.-300C>T (NM_001351059.2); c.-38C>T (NM_006053.4); short protein forms P204L.
Identifiers: ClinVar variation 779204 (VCV000779204.15), dbSNP rs373711940, ClinGen allele CA6146749.

ClinVar aggregate classification (germline): Likely benign. Review status: criteria provided, multiple submitters, no conflicts (2 of 4 stars). 4 submissions from 4 submitters: Likely benign (2). 2 of the submissions do not count toward it. Last evaluated 2026-01-21.

Conditions:
TCIRG1-related disorder. Also called: TCIRG1-related condition.
Autosomal recessive osteopetrosis 1. Also called: ALBERS-SCHONBERG DISEASE, AUTOSOMAL RECESSIVE; TCIRG1-Related Osteopetrosis; TCIRG1-Related Autosomal Recessive Osteopetrosis. Identifiers: Orphanet 667, MedGen C1850127, MONDO:0009815, OMIM 259700.

Allele frequency attached by ClinVar (database versions not stated): ESP Exome Variant Server 0.00008; gnomAD exomes 0.00018; ExAC 0.00043; gnomAD 0.00060 and 0.00071; 1000 Genomes Project 30x 0.00062; TOPMed 0.00062; 1000 Genomes Project 0.00080.
gnomAD v4.1: 195 of 1,561,222 alleles (0.012%); highest among the groups gnomAD compares: African/African-American, 0.24%; 1 homozygote.

Submissions (4):

Labcorp Genetics (formerly Invitae), Labcorp
Classification: Likely benign. Last evaluated: 2026-01-21. Review status: criteria provided, single submitter. Criteria: Invitae Variant Classification Sherloc (09022015). Collection method: clinical testing. Allele origin: germline.

Breakthrough Genomics
Classification: Likely benign. Review status: criteria provided, single submitter. Criteria: ACMG Guidelines, 2015. Collection method: not provided. Allele origin: germline. Inheritance: Autosomal recessive inheritance. Affected: yes.

PreventionGenetics, part of Exact Sciences
Classification: Likely benign for TCIRG1-related condition. Last evaluated: 2023-06-16. Review status: no assertion criteria provided. Collection method: clinical testing. Allele origin: germline. Not counted in ClinVar's aggregate classification.
Comment: This variant is classified as likely benign based on ACMG/AMP sequence variant interpretation guidelines (Richards et al. 2015 PMID: 25741868, with internal and published modifications).

Natera, Inc.
Classification: Likely benign for Infantile malignant osteopetrosis. Last evaluated: 2019-12-24. Review status: no assertion criteria provided. Collection method: clinical testing. Allele origin: germline. Not counted in ClinVar's aggregate classification.